The following is an entry in ClinVar:

NM_001953.5(TYMP):c.647-1G>A

Gene: TYMP (thymidine phosphorylase; minus strand). Cytogenetic location: 22q13.33.
Variant type: single nucleotide variant.
Coding change: c.647-1G>A on transcript NM_001953.5 (MANE Select); the canonical splice acceptor site of the intron before coding-DNA position 647, G replaced by A.
Molecular consequence: splice acceptor variant.
Genome position (GRCh38, 1-based): chr22:50,527,284, C>T on the plus strand (G>A on the coding strand, the complement: TYMP is on the minus strand). VCF-style: chr22-50527284-C-T. GRCh37 (hg19) VCF-style: chr22-50965713-C-T.
Other names: c.647-1G>A (NM_001257989.1, NM_001257988.1, NM_001113755.3 and 1 more transcripts).
Identifiers: ClinVar variation 1484000 (VCV001484000.9), dbSNP rs1295236603, ClinGen allele CA412200953.
Genomic context (GRCh38, chr22:50,527,284, plus strand): 5'-ACTTAACGTCCACCACCAGAGCGGACAGCCCCTCCACGAGTTTCTTACTGAGAATGGAGG[C>T]TTTGGGGGAGGCAGAGGAGGTTGGAGACAATGGAGAACCTGGAGCTTCTTGGGAGAGTTC-3'

ClinVar aggregate classification (germline): Pathogenic/Likely pathogenic. Review status: criteria provided, multiple submitters, no conflicts (2 of 4 stars). 2 submissions from 2 submitters: Pathogenic (1); Likely pathogenic (1). Last evaluated 2024-03-20.

Conditions:
Mitochondrial DNA depletion syndrome 1. Also called: Mitochondrial neurogastrointestinal encephalomyopathy syndrome; MITOCHONDRIAL NEUROGASTROINTESTINAL ENCEPHALOPATHY SYNDROME, TYMP-RELATED; MNGIE, TYMP-RELATED; Mitochondrial Neurogastrointestinal Encephalopathy Disease; POLIP SYNDROME; POLYNEUROPATHY, OPHTHALMOPLEGIA, LEUKOENCEPHALOPATHY, AND INTESTINAL PSEUDOOBSTRUCTION. Identifiers: Orphanet 298, MedGen C4551995, MONDO:0011283, OMIM 603041.

Allele frequency attached by ClinVar (database versions not stated): gnomAD exomes below 0.00001; gnomAD 0.00001.
gnomAD v4.1: 6 of 1,609,092 alleles (0.00037%); highest among the groups gnomAD compares: South Asian, 0.0011%; no homozygotes.

Submissions (2):

Labcorp Genetics (formerly Invitae), Labcorp
Classification: Pathogenic. Last evaluated: 2024-03-20. Review status: criteria provided, single submitter. Criteria: Invitae Variant Classification Sherloc (09022015). Collection method: clinical testing. Allele origin: germline.
Comment: This sequence change affects an acceptor splice site in intron 5 of the TYMP gene. It is expected to disrupt RNA splicing. Variants that disrupt the donor or acceptor splice site typically lead to a loss of protein function (PMID: 16199547), and loss-of-function variants in TYMP are known to be pathogenic (PMID: 9924029, 15781193). This variant is present in population databases (no rsID available, gnomAD 0.007%). Disruption of this splice site has been observed in individual(s) with clinical features of TYMP-related conditions (PMID: 35341481). It has also been observed to segregate with disease in related individuals. ClinVar contains an entry for this variant (Variation ID: 1484000). Algorithms developed to predict the effect of sequence changes on RNA splicing suggest that this variant may disrupt the consensus splice site. For these reasons, this variant has been classified as Pathogenic.

Baylor Genetics
Classification: Likely pathogenic for Mitochondrial DNA depletion syndrome 1. Last evaluated: 2023-12-10. Review status: criteria provided, single submitter. Criteria: ACMG Guidelines, 2015. Collection method: clinical testing. Allele origin: unknown.

Literature cited by the submitters: PubMed 16199547 (cited by Labcorp Genetics (formerly Invitae), Labcorp); PubMed 9924029 (cited by Labcorp Genetics (formerly Invitae), Labcorp); PubMed 15781193 (cited by Labcorp Genetics (formerly Invitae), Labcorp); PubMed 35341481 (cited by Labcorp Genetics (formerly Invitae), Labcorp).